The following is an entry in ClinVar:

ClinVar aggregate classification (germline): Benign. Review status: criteria provided, single submitter (1 of 4 stars). 2 submissions from 2 submitters: Benign (1). 1 of the submissions does not count toward it. Last evaluated 2026-02-01.

Conditions:
KATNAL2-related disorder. Also called: KATNAL2-related condition.

Allele frequency attached by ClinVar (database versions not stated): ExAC 0.00008; 1000 Genomes Project 0.00040; 1000 Genomes Project 30x 0.00062; TOPMed 0.00114; gnomAD 0.00122.
gnomAD v4.1: 3,207 of 1,535,968 alleles (0.21%); highest among the groups gnomAD compares: Non-Finnish European, 0.25%; 8 homozygotes.

Submissions (2):

CeGaT Center for Human Genetics Tuebingen
Classification: Benign. Last evaluated: 2026-02-01. Review status: criteria provided, single submitter. Criteria: CeGaT Center For Human Genetics Tuebingen Variant Classification Criteria Version 2. Collection method: clinical testing. Allele origin: germline. Affected: yes. Observed: 3 variant alleles.
Comment: KATNAL2: PP3, BS1, BS2

PreventionGenetics, part of Exact Sciences
Classification: Likely benign for KATNAL2-related condition. Last evaluated: 2022-07-26. Review status: no assertion criteria provided. Collection method: clinical testing. Allele origin: germline. Not counted in ClinVar's aggregate classification.
Comment: This variant is classified as likely benign based on ACMG/AMP sequence variant interpretation guidelines (Richards et al. 2015 PMID: 25741868, with internal and published modifications).

NM_001387690.1(KATNAL2):c.83A>G (p.Asn28Ser)

Gene: KATNAL2 (katanin catalytic subunit A1 like 2; plus strand). Cytogenetic location: 18q21.1.
Variant type: single nucleotide variant.
Coding change: c.83A>G on transcript NM_001387690.1 (MANE Select); coding-DNA position 83, A replaced by G.
Protein change: p.Asn28Ser; replaces asparagine 28 with serine.
Molecular consequence: missense variant. On other transcripts: 5 prime UTR variant (1), non-coding transcript variant (1), intron variant (7).
Genome position (GRCh38, 1-based): chr18:47,046,488, A>G. VCF-style: chr18-47046488-A-G. GRCh37 (hg19) VCF-style: chr18-44572859-A-G.
Other names: c.161A>G, p.Asn54Ser (NM_001353900.1, NM_001353902.1, NM_001353899.1); c.83A>G, p.Asn28Ser (NM_001353901.1, NM_001367621.1); c.-263A>G (NM_001353905.1); c.-1-11747A>G (NM_001353904.1, NM_001353903.1, NM_001353907.1 and 3 more transcripts); c.-94-6392A>G (NM_031303.3); short protein forms N28S, N54S.
Identifiers: ClinVar variation 3042694 (VCV003042694.15), dbSNP rs569676424, ClinGen allele CA8954838.